The following is an entry in ClinVar:

ClinVar aggregate classification (germline): Uncertain significance (1 of 4 stars; one submission).

Submission:

CeGaT Center for Human Genetics Tuebingen
Classification: Uncertain significance. Last evaluated: 2023-12-01. Review status: criteria provided, single submitter. Criteria: CeGaT Center For Human Genetics Tuebingen Variant Classification Criteria Version 2. Collection method: clinical testing. Allele origin: germline. Affected: yes. Observed: 1 variant allele.
Comment: PPP2R5D: PM1, PM2, PP2

NM_006245.4(PPP2R5D):c.584A>C (p.Asp195Ala)

Gene: PPP2R5D (protein phosphatase 2 regulatory subunit B'delta; plus strand). Cytogenetic location: 6p21.1.
Variant type: single nucleotide variant.
Coding change: c.584A>C on transcript NM_006245.4 (MANE Select); coding-DNA position 584, A replaced by C.
Protein change: p.Asp195Ala; replaces aspartic acid 195 with alanine.
Molecular consequence: missense variant.
Genome position (GRCh38, 1-based): chr6:43,007,257, A>C. VCF-style: chr6-43007257-A-C. GRCh37 (hg19) VCF-style: chr6-42974995-A-C.
Other names: c.488A>C, p.Asp163Ala (NM_180976.3); c.266A>C, p.Asp89Ala (NM_180977.3); c.131A>C, p.Asp44Ala (NM_001270476.2); short protein forms D163A, D195A, D44A, D89A.
Identifiers: ClinVar variation 3026708 (VCV003026708.22), dbSNP rs2532475282, ClinGen allele CA364185089.